The following is an entry in ClinVar:

NM_001089.3(ABCA3):c.629G>T (p.Gly210Val)

Gene: ABCA3 (ATP binding cassette subfamily A member 3; minus strand). Cytogenetic location: 16p13.3.
Variant type: single nucleotide variant.
Coding change: c.629G>T on transcript NM_001089.3 (MANE Select); coding-DNA position 629, G replaced by T.
Protein change: p.Gly210Val; replaces glycine 210 with valine.
Molecular consequence: missense variant.
Genome position (GRCh38, 1-based): chr16:2,319,825, C>A on the plus strand (G>T on the coding strand, the complement: ABCA3 is on the minus strand). VCF-style: chr16-2319825-C-A. GRCh37 (hg19) VCF-style: chr16-2369826-C-A.
Other names: short protein forms G210V.
Identifiers: ClinVar variation 1752698 (VCV001752698.7), dbSNP rs1043865919, ClinGen allele CA276846778.

ClinVar aggregate classification (germline): Conflicting classifications of pathogenicity. Review status: criteria provided, conflicting classifications (1 of 4 stars). 4 submissions from 4 submitters: Pathogenic (2); Likely pathogenic (1); Uncertain significance (1). Last evaluated 2026-01-02.

Conditions:
Hereditary pulmonary alveolar proteinosis. Also called: Pulmonary surfactant metabolism dysfunction. Identifiers: Orphanet 264675, MedGen C3711368, MONDO:0012580.
Surfactant metabolism dysfunction, pulmonary, 1. Also called: Pulmonary surfactant protein B, deficiency of; Neonatal acute respiratory distress due to SP-B deficiency; INTERSTITIAL LUNG DISEASE DUE TO SURFACTANT PROTEIN B DEFICIENCY; INTERSTITIAL LUNG DISEASE, NONSPECIFIC, DUE TO SURFACTANT PROTEIN B DEFICIENCY; PULMONARY ALVEOLAR PROTEINOSIS, CONGENITAL, 1. Identifiers: Orphanet 217563, MedGen C1968602, MONDO:0009929, OMIM 265120.

Allele frequency attached by ClinVar (database versions not stated): gnomAD exomes below 0.00001; gnomAD 0.00001; TOPMed 0.00002.
gnomAD v4.1: 4 of 1,613,762 alleles (0.00025%); highest among the groups gnomAD compares: African/African-American, 0.0013%; no homozygotes.

Submissions (4):

Otogenetics
Classification: Pathogenic for Surfactant metabolism dysfunction, pulmonary, 1. Last evaluated: 2026-01-02. Review status: criteria provided, single submitter. Criteria: ACMG Guidelines, 2015. Collection method: clinical testing. Allele origin: germline.
Comment: PM2: Variant not observed in gnomAD (<0.101% threshold); PM3_Strong: Variant reported in trans with three pathogenic variant in three individuals affected with pulmonary surfactant metabolism dysfunction (PMID: 18024538, 22068586, 35170262); PM5: Pathogenic missense amino acid changes occur in same position: c.628G>T p.Gly210Cys; c.628G>A p.Gly210Ser (PMID: 35170262, 39041931); PP3: In-silico models predict deleterious effect (Revel = 0.97, BayesDel = 0.59); PP4: Variant reported in patients with highly specific phenotype for disease fitting (PMID: 18024538, 22068586, 35170262)

Ambry Genetics
Classification: Likely pathogenic for Hereditary pulmonary alveolar proteinosis. Last evaluated: 2024-01-19. Review status: criteria provided, single submitter. Criteria: Ambry Variant Classification Scheme 2023. Collection method: clinical testing. Allele origin: germline.
Comment: The p.G210V variant (also known as c.629G>T), located in coding exon 5 of the ABCA3 gene, results from a G to T substitution at nucleotide position 629. The glycine at codon 210 is replaced by valine, an amino acid with dissimilar properties. This variant has been identified (likely) in trans with another ABCA3 variant in multiple individuals with features consistent with pulmonary surfactant metabolism dysfunction (Doan ML et al. Thorax, 2008 Apr;63:366-73; Flamein F et al. Hum. Mol. Genet., 2012 Feb;21:765-75; Xu KK et al. Pediatr Pulmonol, 2022 May;57:1325-1330; Ambry internal data). This amino acid position is highly conserved in available vertebrate species. In addition, this alteration is predicted to be deleterious by in silico analysis. This variant is considered to be rare based on population cohorts in the Genome Aggregation Database (gnomAD). Based on the majority of available evidence to date, this variant is likely to be pathogenic.

Labcorp Genetics (formerly Invitae), Labcorp
Classification: Pathogenic. Last evaluated: 2023-11-19. Review status: criteria provided, single submitter. Criteria: Invitae Variant Classification Sherloc (09022015). Collection method: clinical testing. Allele origin: germline.
Comment: This sequence change replaces glycine, which is neutral and non-polar, with valine, which is neutral and non-polar, at codon 210 of the ABCA3 protein (p.Gly210Val). This variant is not present in population databases (gnomAD no frequency). This missense change has been observed in individual(s) with autosomal recessive ABCA3-related conditions (PMID: 18024538, 22068586, 24871971; Invitae). In at least one individual the data is consistent with being in trans (on the opposite chromosome) from a pathogenic variant. ClinVar contains an entry for this variant (Variation ID: 1752698). Advanced modeling of protein sequence and biophysical properties (such as structural, functional, and spatial information, amino acid conservation, physicochemical variation, residue mobility, and thermodynamic stability) performed at Invitae indicates that this missense variant is expected to disrupt ABCA3 protein function with a positive predictive value of 80%. This variant disrupts the p.Gly210 amino acid residue in ABCA3. Other variant(s) that disrupt this residue have been observed in individuals with ABCA3-related conditions (PMID: 24871971), which suggests that this may be a clinically significant amino acid residue. For these reasons, this variant has been classified as Pathogenic.

GeneDx
Classification: Uncertain significance. Last evaluated: 2023-06-28. Review status: criteria provided, single submitter. Criteria: GeneDx Variant Classification Process June 2021. Collection method: clinical testing. Allele origin: germline. Affected: yes.
Comment: Observed with a second ABCA3 variant in patients with neonatal respiratory distress and/or interstitial lung disease, but it is not known whether the variants occurred on the same (in cis) or on different (in trans) chromosomes (Doan et al., 2008; Flamein et al., 2012; Xu et al., 2022); Not observed at significant frequency in large population cohorts (gnomAD); In silico analysis supports that this missense variant has a deleterious effect on protein structure/function; This variant is associated with the following publications: (PMID: 22068586, 35170262, 35445714, 18024538)

Literature cited by the submitters: PubMed 18024538 (cited by 3 submitters); PubMed 22068586 (cited by 3 submitters); PubMed 35170262 (cited by Otogenetics and Ambry Genetics); PubMed 39041931 (cited by Otogenetics); PubMed 24871971 (cited by Labcorp Genetics (formerly Invitae), Labcorp).